The following is an entry in ClinVar:

NM_005912.3(MC4R):c.536T>A (p.Val179Asp)

Gene: MC4R (melanocortin 4 receptor; minus strand). Cytogenetic location: 18q21.32.
Variant type: single nucleotide variant.
Coding change: c.536T>A on transcript NM_005912.3 (MANE Select); coding-DNA position 536, T replaced by A.
Protein change: p.Val179Asp; replaces valine 179 with aspartic acid.
Molecular consequence: missense variant.
Genome position (GRCh38, 1-based): chr18:60,371,814, A>T on the plus strand (T>A on the coding strand, the complement: MC4R is on the minus strand). VCF-style: chr18-60371814-A-T. GRCh37 (hg19) VCF-style: chr18-58039047-A-T.
Other names: short protein forms V179D.
Identifiers: ClinVar variation 3348271 (VCV003348271.2).

ClinVar aggregate classification (germline): Uncertain significance (1 of 4 stars; one submission).

Conditions:
MC4R-related disorder. Also called: MC4R-related condition.

Submission:

PreventionGenetics, part of Exact Sciences
Classification: Uncertain significance for MC4R-related condition. Last evaluated: 2026-04-07. Review status: criteria provided, single submitter. Criteria: ACMG Guidelines, 2015. Collection method: clinical testing. Allele origin: germline.
Comment: The MC4R c.536T>A variant is predicted to result in the amino acid substitution p.Val179Asp. To our knowledge, this variant has not been reported in the literature or in a large population database (gnomAD), indicating this variant is rare. At this time, the clinical significance of this variant is uncertain due to the absence of conclusive functional and genetic evidence.